The following is an entry in ClinVar:

ClinVar aggregate classification (germline): Pathogenic (1 of 4 stars; one submission).

Conditions:
Polycystic kidney disease, adult type (PKD1). Also called: Polycystic Kidney Disease 1, Autosomal Dominant; Polycystic kidney disease 1; Polycystic kidney disease 1, severe; Polycystic Kidney, Autosomal Dominant; POLYCYSTIC KIDNEY DISEASE 1 WITH OR WITHOUT POLYCYSTIC LIVER DISEASE; POLYCYSTIC KIDNEY DISEASE, ADULT, TYPE I. Identifiers: MedGen C3149841, MONDO:0008263, OMIM 173900.

Submission:

Women's Health and Genetics/Laboratory Corporation of America, LabCorp
Classification: Pathogenic for Polycystic kidney disease, adult type. Last evaluated: 2025-05-01. Review status: criteria provided, single submitter. Criteria: LabCorp Variant Classification Summary - May 2015. Collection method: clinical testing. Allele origin: germline.
Comment: Variant summary: PKD1 c.6314_6315delCA (p.Thr2105ArgfsX2) results in a premature termination codon, predicted to cause a truncation of the encoded protein or absence of the protein due to nonsense mediated decay, which are commonly known mechanisms for disease. Algorithms developed to predict the effect of missense changes on protein structure and function are either unavailable or do not agree on the potential impact of this missense change. The variant was absent in 184394 control chromosomes. To our knowledge, no occurrence of c.6314_6315delCA in individuals affected with Polycystic Kidney Disease 1 and no experimental evidence demonstrating its impact on protein function have been reported. No submitters have cited clinical-significance assessments for this variant to ClinVar. Based on the evidence outlined above, the variant was classified as pathogenic.

NM_001009944.3(PKD1):c.6314_6315del (p.Thr2105fs)

Gene: PKD1 (polycystin 1, transient receptor potential channel interacting; minus strand). Cytogenetic location: 16p13.3.
Variant type: Microsatellite.
Coding change: c.6314_6315del on transcript NM_001009944.3 (MANE Select); coding-DNA positions 6314 to 6315, 2 bases deleted (CA; older notation c.6314_6315delCA).
Protein change: p.Thr2105fs; shifts the reading frame from threonine 2105.
Molecular consequence: frameshift variant.
Genome position (GRCh38, 1-based): chr16:2,108,852-2,108,853, TG deleted on the plus strand (CA on the coding strand, the reverse complement: PKD1 is on the minus strand); deleting any 2 consecutive bases within chr16:2,108,852-2,108,856 gives the same sequence; the c. name uses the placement nearest the transcript's 3' end. VCF-style (leftmost placement, unchanged base first): chr16-2108851-CTG-C. GRCh37 (hg19) VCF-style: chr16-2158852-CTG-C.
Other names: c.6314_6315del, p.Thr2105fs (NM_000296.4); c.6314_6315delCA (NM_001009944.3); short protein forms T2105fs.
Identifiers: ClinVar variation 3902588 (VCV003902588.1).